The following is an entry in ClinVar:

ClinVar aggregate classification (germline): Benign/Likely benign. Review status: criteria provided, multiple submitters, no conflicts (2 of 4 stars). 6 submissions from 6 submitters: Benign (2); Likely benign (4). Last evaluated 2026-02-03.

Conditions:
Connective tissue disorder. Also called: Connective tissue disease. Identifiers: MedGen C0009782, MONDO:0003900.
Spondyloepimetaphyseal dysplasia-short limb-abnormal calcification syndrome (SMED-SL). Also called: SMED, TYPE II; SMED-SL/AC; SMED short limb-hand type; SMED type 2; Spondylometaepiphyseal dysplasia short limb-abnormal calcification type; Smed short limb-abnormal calcification type. Identifiers: Orphanet 93358, MedGen C1849011, MONDO:0010077, OMIM 271665.

Allele frequency attached by ClinVar (database versions not stated): gnomAD exomes 0.00100 and 0.00283; ExAC 0.00360; gnomAD 0.01024 and 0.01091; ESP Exome Variant Server 0.01130; TOPMed 0.01130; 1000 Genomes Project 0.01398; 1000 Genomes Project 30x 0.01452.
gnomAD v4.1: 3,097 of 1,612,678 alleles (0.19%); highest among the groups gnomAD compares: African/African-American, 3.6%; 43 homozygotes.

Submissions (6):

Labcorp Genetics (formerly Invitae), Labcorp
Classification: Benign. Last evaluated: 2026-02-03. Review status: criteria provided, single submitter. Criteria: Invitae Variant Classification Sherloc (09022015). Collection method: clinical testing. Allele origin: germline.

GeneDx
Classification: Likely benign. Last evaluated: 2021-02-03. Review status: criteria provided, single submitter. Criteria: GeneDx Variant Classification Process June 2021. Collection method: clinical testing. Allele origin: germline. Affected: yes.

ARUP Laboratories, Molecular Genetics and Genomics, ARUP Laboratories
Classification: Benign. Last evaluated: 2020-04-13. Review status: criteria provided, single submitter. Criteria: ARUP Molecular Germline Variant Investigation Process. Collection method: clinical testing. Allele origin: germline.

Genome Diagnostics Laboratory, The Hospital for Sick Children
Classification: Likely benign for Connective tissue disorder. Last evaluated: 2019-08-01. Review status: criteria provided, single submitter. Criteria: ACMG Guidelines, 2015. Collection method: clinical testing. Allele origin: germline.

Illumina Laboratory Services, Illumina
Classification: Likely benign for Spondyloepimetaphyseal dysplasia-short limb-abnormal calcification syndrome. Last evaluated: 2018-01-13. Review status: criteria provided, single submitter. Criteria: ICSL Variant Classification Criteria 13 December 2019. Collection method: clinical testing. Allele origin: germline.
Comment: This variant was observed in the ICSL laboratory as part of a predisposition screen in an ostensibly healthy population. It had not been previously curated by ICSL or reported in the Human Gene Mutation Database (HGMD: prior to June 1st, 2018), and was therefore a candidate for classification through an automated scoring system. Utilizing variant allele frequency, disease prevalence and penetrance estimates, and inheritance mode, an automated score was calculated to assess if this variant is too frequent to cause the disease. Based on the score and internal cut-off values, a variant classified as likely benign is not then subjected to further curation. The score for this variant resulted in a classification of likely benign for this disease.

Breakthrough Genomics
Classification: Likely benign. Review status: criteria provided, single submitter. Criteria: ACMG Guidelines, 2015. Collection method: not provided. Allele origin: germline. Inheritance: Autosomal recessive inheritance. Affected: yes.

NM_006182.4(DDR2):c.83-4C>T

Gene: DDR2 (discoidin domain receptor tyrosine kinase 2; plus strand). Cytogenetic location: 1q23.3.
Variant type: single nucleotide variant.
Coding change: c.83-4C>T on transcript NM_006182.4 (MANE Select); 4 bases into the intron before coding-DNA position 83, C replaced by T.
Molecular consequence: intron variant.
Genome position (GRCh38, 1-based): chr1:162,753,091, C>T. VCF-style: chr1-162753091-C-T. GRCh37 (hg19) VCF-style: chr1-162722881-C-T.
Other names: c.83-4C>T (NM_001354983.2, NM_001354982.2, NM_001014796.3).
Identifiers: ClinVar variation 729660 (VCV000729660.27), dbSNP rs76156815, ClinGen allele CA1217167.
Genomic context (GRCh38, chr1:162,753,091, plus strand): 5'-AGGGGGCTTGGAAATAAAAATAAAACCATGTCCTCTCTTTTCTCTTTGGTTTCTCTTGGT[C>T]TAGCTATATGCCGCTATCCTCTGGGCATGTCAGGAGGCCAGATTCCAGATGAGGACATCA-3'